The following is an entry in ClinVar:

ClinVar aggregate classification (germline): Uncertain significance. Review status: criteria provided, multiple submitters, no conflicts (2 of 4 stars). 2 submissions from 2 submitters: Uncertain significance (2). Last evaluated 2023-08-02.

Conditions:
Inborn genetic diseases. Identifiers: MedGen C0950123, MeSH D030342.

Allele frequency attached by ClinVar (database versions not stated): TOPMed 0.00001; gnomAD exomes 0.00003.

Submissions (2):

Labcorp Genetics (formerly Invitae), Labcorp
Classification: Uncertain significance. Last evaluated: 2023-08-02. Review status: criteria provided, single submitter. Criteria: Invitae Variant Classification Sherloc (09022015). Collection method: clinical testing. Allele origin: germline.
Comment: In summary, the available evidence is currently insufficient to determine the role of this variant in disease. Therefore, it has been classified as a Variant of Uncertain Significance. Advanced modeling of protein sequence and biophysical properties (such as structural, functional, and spatial information, amino acid conservation, physicochemical variation, residue mobility, and thermodynamic stability) performed at Invitae indicates that this missense variant is not expected to disrupt ROR2 protein function. ClinVar contains an entry for this variant (Variation ID: 2261739). This variant has not been reported in the literature in individuals affected with ROR2-related conditions. This variant is present in population databases (rs200970033, gnomAD 0.003%). This sequence change replaces proline, which is neutral and non-polar, with histidine, which is basic and polar, at codon 878 of the ROR2 protein (p.Pro878His).

Ambry Genetics
Classification: Uncertain significance for Inborn genetic diseases. Last evaluated: 2021-11-15. Review status: criteria provided, single submitter. Criteria: Ambry Variant Classification Scheme 2023. Collection method: clinical testing. Allele origin: germline.

NM_004560.4(ROR2):c.2633C>A (p.Pro878His)

Gene: ROR2 (receptor tyrosine kinase like orphan receptor 2; minus strand). Cytogenetic location: 9q22.31.
Variant type: single nucleotide variant.
Coding change: c.2633C>A on transcript NM_004560.4 (MANE Select); coding-DNA position 2633, C replaced by A.
Protein change: p.Pro878His; replaces proline 878 with histidine.
Molecular consequence: missense variant.
Genome position (GRCh38, 1-based): chr9:91,723,861, G>T on the plus strand (C>A on the coding strand, the complement: ROR2 is on the minus strand). VCF-style: chr9-91723861-G-T. GRCh37 (hg19) VCF-style: chr9-94486143-G-T.
Other names: short protein forms P878H.
Identifiers: ClinVar variation 2261739 (VCV002261739.5), dbSNP rs200970033, ClinGen allele CA195321579.